The following is an entry in ClinVar:

ClinVar aggregate classification (germline): Uncertain significance. Review status: criteria provided, multiple submitters, no conflicts (2 of 4 stars). 2 submissions from 2 submitters: Uncertain significance (2). Last evaluated 2024-07-22.

Conditions:
RASopathy. Also called: Noonan spectrum disorder; rasopathies. Identifiers: Orphanet 536391, MedGen C5555857, MONDO:0021060.

gnomAD v4.1: 7 of 1,613,552 alleles (0.00043%); highest among the groups gnomAD compares: African/African-American, 0.0013%; no homozygotes.

Submissions (2):

Labcorp Genetics (formerly Invitae), Labcorp
Classification: Uncertain significance for RASopathy. Last evaluated: 2024-07-22. Review status: criteria provided, single submitter. Criteria: Invitae Variant Classification Sherloc (09022015). Collection method: clinical testing. Allele origin: germline.
Comment: This sequence change replaces cysteine, which is neutral and slightly polar, with serine, which is neutral and polar, at codon 685 of the BRAF protein (p.Cys685Ser). This variant is not present in population databases (gnomAD no frequency). This variant has not been reported in the literature in individuals affected with BRAF-related conditions. Advanced modeling of protein sequence and biophysical properties (such as structural, functional, and spatial information, amino acid conservation, physicochemical variation, residue mobility, and thermodynamic stability) performed at Invitae indicates that this missense variant is not expected to disrupt BRAF protein function with a negative predictive value of 80%. In summary, the available evidence is currently insufficient to determine the role of this variant in disease. Therefore, it has been classified as a Variant of Uncertain Significance.

Blueprint Genetics
Classification: Uncertain significance. Last evaluated: 2022-09-05. Review status: criteria provided, single submitter. Criteria: ACMG Guidelines, 2015. Collection method: clinical testing. Allele origin: germline.

NM_004333.6(BRAF):c.2053T>A (p.Cys685Ser)

Gene: BRAF (B-Raf proto-oncogene, serine/threonine kinase; minus strand). Cytogenetic location: 7q34.
Variant type: single nucleotide variant.
Coding change: c.2053T>A on transcript NM_004333.6 (MANE Select); coding-DNA position 2053, T replaced by A.
Protein change: p.Cys685Ser; replaces cysteine 685 with serine.
Molecular consequence: missense variant.
Genome position (GRCh38, 1-based): chr7:140,739,886, A>T on the plus strand (T>A on the coding strand, the complement: BRAF is on the minus strand). VCF-style: chr7-140739886-A-T. GRCh37 (hg19) VCF-style: chr7-140439686-A-T.
Other names: c.2053T>A, p.Cys685Ser (NM_001354609.2, NM_001378468.1, NM_001378474.1); c.2173T>A, p.Cys725Ser (NM_001374244.1, NM_001374258.1); c.2062T>A, p.Cys688Ser (NM_001378467.1); c.1987T>A, p.Cys663Ser (NM_001378469.1); c.1951T>A, p.Cys651Ser (NM_001378470.1); c.1942T>A, p.Cys648Ser (NM_001378471.1); c.1897T>A, p.Cys633Ser (NM_001378472.1, NM_001378473.1); c.1789T>A, p.Cys597Ser (NM_001378475.1); short protein forms C597S, C633S, C648S, C651S, C663S, C685S, C688S, C725S.
Identifiers: ClinVar variation 3620922 (VCV003620922.3).